The following is an entry in ClinVar:

NM_002907.4(RECQL):c.1621G>C (p.Asp541His)

Gene: RECQL (RecQ like helicase; minus strand). Cytogenetic location: 12p12.1.
Variant type: single nucleotide variant.
Coding change: c.1621G>C on transcript NM_002907.4 (MANE Select); coding-DNA position 1621, G replaced by C.
Protein change: p.Asp541His; replaces aspartic acid 541 with histidine.
Molecular consequence: missense variant.
Genome position (GRCh38, 1-based): chr12:21,471,474, C>G on the plus strand (G>C on the coding strand, the complement: RECQL is on the minus strand). VCF-style: chr12-21471474-C-G. GRCh37 (hg19) VCF-style: chr12-21624408-C-G.
Other names: c.1621G>C, p.Asp541His (NM_032941.3); short protein forms D541H.
Identifiers: ClinVar variation 1700492 (VCV001700492.14), dbSNP rs1036542585, ClinGen allele CA233565276.

ClinVar aggregate classification (germline): Uncertain significance. Review status: criteria provided, multiple submitters, no conflicts (2 of 4 stars). 4 submissions from 4 submitters: Uncertain significance (4). Last evaluated 2025-09-05.

Allele frequency attached by ClinVar (database versions not stated): gnomAD exomes below 0.00001; gnomAD 0.00001; TOPMed 0.00006.
gnomAD v4.1: 6 of 1,613,058 alleles (0.00037%); highest among the groups gnomAD compares: Admixed American, 0.005%; no homozygotes.

Submissions (4):

Quest Diagnostics Nichols Institute San Juan Capistrano
Classification: Uncertain significance. Last evaluated: 2025-09-05. Review status: criteria provided, single submitter. Criteria: Quest Diagnostics criteria. Collection method: clinical testing. Allele origin: unknown.
Comment: The RECQL c.1621G>C (p.Asp541His) variant has not been reported in individuals with RECQL-related conditions in the published literature. The frequency of this variant in the general population (Genome Aggregation Database) is uninformative in the assessment of its pathogenicity. Analysis of this variant using bioinformatics tools for the prediction of the effect of amino acid changes on protein structure and function yielded predictions that this variant is benign. Based on the available information, we are unable to determine the clinical significance of this variant.

Ambry Genetics
Classification: Uncertain significance. Last evaluated: 2025-06-25. Review status: criteria provided, single submitter. Criteria: Ambry Variant Classification Scheme 2023. Collection method: clinical testing. Allele origin: germline.
Comment: The p.D541H variant (also known as c.1621G>C), located in coding exon 12 of the RECQL gene, results from a G to C substitution at nucleotide position 1621. The aspartic acid at codon 541 is replaced by histidine, an amino acid with similar properties. This amino acid position is not well conserved in available vertebrate species. In addition, this alteration is predicted to be tolerated by in silico analysis. Since supporting evidence is limited at this time, the clinical significance of this alteration remains unclear.

GeneDx
Classification: Uncertain significance. Last evaluated: 2024-04-01. Review status: criteria provided, single submitter. Criteria: GeneDx Variant Classification Process June 2021. Collection method: clinical testing. Allele origin: germline. Affected: yes.
Comment: Not observed at significant frequency in large population cohorts (gnomAD); In silico analysis supports that this missense variant does not alter protein structure/function; Has not been previously published as pathogenic or benign to our knowledge; Variants in candidate genes are classified as variants of uncertain significance in accordance with ACMG guidelines (PMID: 25741868); This variant is associated with the following publications: (PMID: 19151156, 27248010)

Labcorp Genetics (formerly Invitae), Labcorp
Classification: Uncertain significance. Last evaluated: 2023-03-14. Review status: criteria provided, single submitter. Criteria: Invitae Variant Classification Sherloc (09022015). Collection method: clinical testing. Allele origin: germline.
Comment: In summary, the available evidence is currently insufficient to determine the role of this variant in disease. Therefore, it has been classified as a Variant of Uncertain Significance. Advanced modeling of protein sequence and biophysical properties (such as structural, functional, and spatial information, amino acid conservation, physicochemical variation, residue mobility, and thermodynamic stability) performed at Invitae indicates that this missense variant is not expected to disrupt RECQL protein function. ClinVar contains an entry for this variant (Variation ID: 1700492). This variant has not been reported in the literature in individuals affected with RECQL-related conditions. This variant is present in population databases (no rsID available, gnomAD no frequency). This sequence change replaces aspartic acid, which is acidic and polar, with histidine, which is basic and polar, at codon 541 of the RECQL protein (p.Asp541His).